The following is an entry in ClinVar:

ClinVar aggregate classification (germline): Uncertain significance. Review status: criteria provided, multiple submitters, no conflicts (2 of 4 stars). 3 submissions from 3 submitters: Uncertain significance (3). Last evaluated 2025-09-22.

Conditions:
Early-infantile DEE. Also called: Early infantile epileptic encephalopathy with suppression bursts; Early infantile epileptic encephalopathy; Ohtahara syndrome. Identifiers: Orphanet 1934, MedGen C0393706, MONDO:0800491.

Submissions (3):

Labcorp Genetics (formerly Invitae), Labcorp
Classification: Uncertain significance for Early-infantile DEE. Last evaluated: 2025-09-22. Review status: criteria provided, single submitter. Criteria: Invitae Variant Classification Sherloc (09022015). Collection method: clinical testing. Allele origin: germline.
Comment: This sequence change replaces alanine, which is neutral and non-polar, with valine, which is neutral and non-polar, at codon 98 of the SCN1A protein (p.Ala98Val). This variant is not present in population databases (gnomAD no frequency). This variant has not been reported in the literature in individuals affected with SCN1A-related conditions. ClinVar contains an entry for this variant (Variation ID: 1188257). Invitae Evidence Modeling of protein sequence and biophysical properties (such as structural, functional, and spatial information, amino acid conservation, physicochemical variation, residue mobility, and thermodynamic stability) has been performed for this missense variant. However, the output from this modeling did not meet the statistical confidence thresholds required to predict the impact of this variant on SCN1A protein function. This variant disrupts the p.Ala98 amino acid residue in SCN1A. Other variant(s) that disrupt this residue have been determined to be pathogenic (PMID: 21248271, 35074891). This suggests that this residue is clinically significant, and that variants that disrupt this residue are likely to be disease-causing. In summary, the available evidence is currently insufficient to determine the role of this variant in disease. Therefore, it has been classified as a Variant of Uncertain Significance.

CeGaT Center for Human Genetics Tuebingen
Classification: Uncertain significance. Last evaluated: 2024-05-01. Review status: criteria provided, single submitter. Criteria: CeGaT Center For Human Genetics Tuebingen Variant Classification Criteria Version 2. Collection method: clinical testing. Allele origin: germline. Affected: yes. Observed: 1 variant allele.
Comment: SCN1A: PM1, PM2, PM5:Supporting

GeneDx
Classification: Uncertain significance. Last evaluated: 2019-11-11. Review status: criteria provided, single submitter. Criteria: GeneDx Variant Classification Process June 2021. Collection method: clinical testing. Allele origin: germline. Affected: yes.
Comment: Not observed in large population cohorts (Lek et al., 2016); The majority of missense variants in this gene are considered pathogenic (Stenson et al., 2014); In silico analysis, which includes protein predictors and evolutionary conservation, supports that this variant does not alter protein structure/function; This substitution is predicted to be within the N-terminal cytoplasmic domain

Literature cited by the submitters: PubMed 21248271 (cited by Labcorp Genetics (formerly Invitae), Labcorp); PubMed 35074891 (cited by Labcorp Genetics (formerly Invitae), Labcorp).

NM_001165963.4(SCN1A):c.293C>T (p.Ala98Val)

Gene: SCN1A (sodium voltage-gated channel alpha subunit 1; minus strand). Cytogenetic location: 2q24.3.
Variant type: single nucleotide variant.
Coding change: c.293C>T on transcript NM_001165963.4 (MANE Select); coding-DNA position 293, C replaced by T.
Protein change: p.Ala98Val; replaces alanine 98 with valine.
Molecular consequence: missense variant. On other transcripts: 5 prime UTR variant (1), non-coding transcript variant (1).
Genome position (GRCh38, 1-based): chr2:166,058,660, G>A on the plus strand (C>T on the coding strand, the complement: SCN1A is on the minus strand). VCF-style: chr2-166058660-G-A. GRCh37 (hg19) VCF-style: chr2-166915170-G-A.
Other names: c.293C>T, p.Ala98Val (NM_001165964.3, NM_001202435.3, NM_001353948.2 and 10 more transcripts); c.-2133C>T (NM_001353961.2); short protein forms A98V.
Identifiers: ClinVar variation 1188257 (VCV001188257.28), dbSNP rs2105918454, ClinGen allele CA349077190.